The following is an entry in ClinVar:

NM_000532.5(PCCB):c.655-3C>G

Gene: PCCB (propionyl-CoA carboxylase subunit beta; plus strand). Cytogenetic location: 3q22.3.
Variant type: single nucleotide variant.
Coding change: c.655-3C>G on transcript NM_000532.5 (MANE Select); 3 bases into the intron before coding-DNA position 655, C replaced by G.
Molecular consequence: intron variant.
Genome position (GRCh38, 1-based): chr3:136,293,753, C>G. VCF-style: chr3-136293753-C-G. GRCh37 (hg19) VCF-style: chr3-136012595-C-G.
Other names: c.715-3C>G (NM_001178014.2).
Identifiers: ClinVar variation 2023043 (VCV002023043.4), dbSNP rs778095026, ClinGen allele CA2580068864.
Genomic context (GRCh38, chr3:136,293,753, plus strand): 5'-CTCTAAGGCTGTGACCAGCTCTGGTGCTCTGAGGTTGACTGTTCTGGAAATCTTTTATTT[C>G]AGGACACCTCCTACCTGTTCATCACTGGCCCTGATGTTGTGAAGTCTGTCACCAATGAGG-3'

ClinVar aggregate classification (germline): Uncertain significance (1 of 4 stars; one submission).

Conditions:
Propionic acidemia (PROP). Also called: GLYCINEMIA, KETOTIC; HYPERGLYCINEMIA WITH KETOACIDOSIS AND LEUKOPENIA; KETOTIC HYPERGLYCINEMIA. Identifiers: Orphanet 35, MedGen C0268579, MONDO:0011628, OMIM 606054, HP:0003571.

Submission:

Labcorp Genetics (formerly Invitae), Labcorp
Classification: Uncertain significance for Propionic acidemia. Last evaluated: 2023-04-24. Review status: criteria provided, single submitter. Criteria: Invitae Variant Classification Sherloc (09022015). Collection method: clinical testing. Allele origin: germline.
Comment: This variant is not present in population databases (gnomAD no frequency). In summary, the available evidence is currently insufficient to determine the role of this variant in disease. Therefore, it has been classified as a Variant of Uncertain Significance. Variants that disrupt the consensus splice site are a relatively common cause of aberrant splicing (PMID: 17576681, 9536098). Algorithms developed to predict the effect of sequence changes on RNA splicing suggest that this variant may disrupt the consensus splice site. ClinVar contains an entry for this variant (Variation ID: 2023043). This variant has not been reported in the literature in individuals affected with PCCB-related conditions. This sequence change falls in intron 6 of the PCCB gene. It does not directly change the encoded amino acid sequence of the PCCB protein. It affects a nucleotide within the consensus splice site.

Literature cited by the submitters: PubMed 17576681; PubMed 9536098.